The following is an entry in ClinVar:

NM_033380.3(COL4A5):c.148_151dup (p.Gly51fs)

Gene: COL4A5 (collagen type IV alpha 5 chain; plus strand). Cytogenetic location: Xq22.3.
Variant type: Microsatellite.
Coding change: c.148_151dup on transcript NM_033380.3 (MANE Select); coding-DNA positions 148 to 151, 4 bases duplicated (AGAG; older notation c.148_151dupAGAG).
Protein change: p.Gly51fs; shifts the reading frame from glycine 51.
Molecular consequence: frameshift variant.
Genome position (GRCh38, 1-based): chrX:108,559,070-108,559,073, AGAG duplicated; duplicating any 4 consecutive bases within chrX:108,559,065-108,559,073 gives the same sequence; the c. name uses the placement nearest the transcript's 3' end. VCF-style (leftmost placement, unchanged base first): chrX-108559064-G-GGAGA. GRCh37 (hg19) VCF-style: chrX-107802294-G-GGAGA.
Other names: c.148_151dup, p.Gly51fs (NM_000495.5); short protein forms G51fs.
Identifiers: ClinVar variation 3661136 (VCV003661136.2).
Genomic context (GRCh38, chrX:108,559,064, plus strand): 5'-ACCATGCCTGTGCTTGAAAATTCACAAATGACCTTACCTTTCATTCTCATTTAATTGCAG[G>GGAGA]GAGAGAGAGGGTTTCCAGGTTTGGAAGGACACCCAGGATTGCCTGGATTTCCAGGTCCAG-3'

ClinVar aggregate classification (germline): Pathogenic (1 of 4 stars; one submission).

Submission:

Labcorp Genetics (formerly Invitae), Labcorp
Classification: Pathogenic. Last evaluated: 2024-08-01. Review status: criteria provided, single submitter. Criteria: Invitae Variant Classification Sherloc (09022015). Collection method: clinical testing. Allele origin: germline.
Comment: This sequence change creates a premature translational stop signal (p.Gly51Glufs*30) in the COL4A5 gene. It is expected to result in an absent or disrupted protein product. Loss-of-function variants in COL4A5 are known to be pathogenic (PMID: 9195222, 10752524, 14514738, 24854265, 26809805). This variant is not present in population databases (gnomAD no frequency). This variant has not been reported in the literature in individuals affected with COL4A5-related conditions. For these reasons, this variant has been classified as Pathogenic.

Literature cited by the submitters: PubMed 9195222; PubMed 10752524; PubMed 14514738; PubMed 24854265; PubMed 26809805.